The following is an entry in ClinVar:

NM_014141.6(CNTNAP2):c.3227C>A (p.Ala1076Glu)

Gene: CNTNAP2 (contactin associated protein 2; plus strand). Cytogenetic location: 7q36.1.
Variant type: single nucleotide variant.
Coding change: c.3227C>A on transcript NM_014141.6 (MANE Select); coding-DNA position 3227, C replaced by A.
Protein change: p.Ala1076Glu; replaces alanine 1076 with glutamic acid.
Molecular consequence: missense variant.
Genome position (GRCh38, 1-based): chr7:148,217,504, C>A. VCF-style: chr7-148217504-C-A. GRCh37 (hg19) VCF-style: chr7-147914596-C-A.
Other names: short protein forms A1076E.
Identifiers: ClinVar variation 1021621 (VCV001021621.9), dbSNP rs1288501805, ClinGen allele CA369929512.

ClinVar aggregate classification (germline): Uncertain significance (1 of 4 stars; one submission).

Conditions:
Cortical dysplasia-focal epilepsy syndrome (PTHSL1). Also called: Pitt-Hopkins-like syndrome 1. Identifiers: Orphanet 163681, Orphanet 221150, MedGen C2750246, MONDO:0012400, OMIM 610042.

Allele frequency attached by ClinVar (database versions not stated): gnomAD exomes below 0.00001.

Submission:

Labcorp Genetics (formerly Invitae), Labcorp
Classification: Uncertain significance for Cortical dysplasia-focal epilepsy syndrome. Last evaluated: 2022-02-03. Review status: criteria provided, single submitter. Criteria: Invitae Variant Classification Sherloc (09022015). Collection method: clinical testing. Allele origin: germline.
Comment: In summary, the available evidence is currently insufficient to determine the role of this variant in disease. Therefore, it has been classified as a Variant of Uncertain Significance. Algorithms developed to predict the effect of missense changes on protein structure and function (SIFT, PolyPhen-2, Align-GVGD) all suggest that this variant is likely to be disruptive. ClinVar contains an entry for this variant (Variation ID: 1021621). This variant has not been reported in the literature in individuals affected with CNTNAP2-related conditions. This variant is present in population databases (no rsID available, gnomAD 0.0009%). This sequence change replaces alanine, which is neutral and non-polar, with glutamic acid, which is acidic and polar, at codon 1076 of the CNTNAP2 protein (p.Ala1076Glu).